The following is an entry in ClinVar:

ClinVar aggregate classification (germline): Uncertain significance (1 of 4 stars; one submission).

Conditions:
Polyhydramnios, megalencephaly, and symptomatic epilepsy (PMSE). Also called: PMSE SYNDROME. Identifiers: Orphanet 500533, MedGen C1970203, MONDO:0012611, OMIM 611087.

Submission:

Labcorp Genetics (formerly Invitae), Labcorp
Classification: Uncertain significance for Polyhydramnios, megalencephaly, and symptomatic epilepsy. Last evaluated: 2020-03-06. Review status: criteria provided, single submitter. Criteria: Invitae Variant Classification Sherloc (09022015). Collection method: clinical testing. Allele origin: germline.
Comment: This variant has not been reported in the literature in individuals with STRADA-related conditions. Algorithms developed to predict the effect of missense changes on protein structure and function output the following: SIFT: "Tolerated"; PolyPhen-2: "Benign"; Align-GVGD: "Class C0". The proline amino acid residue is found in multiple mammalian species, suggesting that this missense change does not adversely affect protein function. These predictions have not been confirmed by published functional studies and their clinical significance is uncertain. In summary, the available evidence is currently insufficient to determine the role of this variant in disease. Therefore, it has been classified as a Variant of Uncertain Significance. This variant is not present in population databases (ExAC no frequency). This sequence change replaces serine with proline at codon 54 of the STRADA protein (p.Ser54Pro). The serine residue is moderately conserved and there is a moderate physicochemical difference between serine and proline.

NM_001003787.4(STRADA):c.160T>C (p.Ser54Pro)

Gene: STRADA (STE20 related adaptor alpha; minus strand). Cytogenetic location: 17q23.3.
Variant type: single nucleotide variant.
Coding change: c.160T>C on transcript NM_001003787.4 (MANE Select); coding-DNA position 160, T replaced by C.
Protein change: p.Ser54Pro; replaces serine 54 with proline.
Molecular consequence: missense variant. On other transcripts: 5 prime UTR variant (3), non-coding transcript variant (1), intron variant (1).
Genome position (GRCh38, 1-based): chr17:63,714,072, A>G on the plus strand (T>C on the coding strand, the complement: STRADA is on the minus strand). VCF-style: chr17-63714072-A-G. GRCh37 (hg19) VCF-style: chr17-61791432-A-G.
Other names: c.49T>C, p.Ser17Pro (NM_001003786.3, NM_001363789.1, NM_153335.6); c.-15T>C (NM_001003788.3, NM_001363790.1, NM_001363791.1); c.73T>C, p.Ser25Pro (NM_001165969.2, NM_001363787.1); c.136T>C, p.Ser46Pro (NM_001363786.1); c.160T>C, p.Ser54Pro (NM_001363788.1); c.95-545T>C (NM_001165970.2); short protein forms S17P, S25P, S46P, S54P.
Identifiers: ClinVar variation 1002146 (VCV001002146.8), dbSNP rs2036687764, ClinGen allele CA400594317.
Genomic context (GRCh38, chr17:63,714,072, plus strand): 5'-CAGTGAGCAGCTCGTAACACCCTCCCTCTGGCAGAAAGCTACTCATGACCTCCTGTTTAG[A>G]GAAGGATGCTATTGACTCTGAGCTCGCATCATTGGTCTAAAAAAGAAAAAGAAAAATAGG-3'
Protein context (NP_001003787.1, residues 44-64): DASSESIASF[Ser54Pro]KQEVMSSFLP